The following is an entry in ClinVar:

ClinVar aggregate classification (germline): Uncertain significance. Review status: criteria provided, multiple submitters, no conflicts (2 of 4 stars). 4 submissions from 4 submitters: Uncertain significance (4). Last evaluated 2025-08-11.

Conditions:
Episodic ataxia type 2 (EA2). Also called: ATAXIA, EPISODIC, WITH NYSTAGMUS; ATAXIA, FAMILIAL PAROXYSMAL; CEREBELLAR ATAXIA, PAROXYSMAL, ACETAZOLAMIDE-RESPONSIVE; CEREBELLOPATHY, HEREDITARY PAROXYSMAL; EPISODIC ATAXIA, NYSTAGMUS-ASSOCIATED; ACETAZOLAMIDE-RESPONSIVE HEREDITARY PAROXYSMAL CEREBELLAR ATAXIA. Identifiers: Orphanet 97, MedGen C1720416, MONDO:0007163, OMIM 108500.
Developmental and epileptic encephalopathy, 42 (DEE42A). Also called: Epileptic encephalopathy, early infantile, 42; DEVELOPMENTAL AND EPILEPTIC ENCEPHALOPATHY 42A; EPILEPTIC ENCEPHALOPATHY, EARLY INFANTILE, 42A. Identifiers: MedGen C4310716, MONDO:0014917, OMIM 617106.
Spinocerebellar ataxia type 6 (SCA6). Identifiers: Orphanet 98758, MedGen C0752124, MONDO:0008457, OMIM 183086.
Migraine, familial hemiplegic, 1. Also called: MIGRAINE, FAMILIAL HEMIPLEGIC 1, WITH PROGRESSIVE CEREBELLAR ATAXIA. Identifiers: Orphanet 569, MedGen C1832884, MONDO:0020756, OMIM 141500, MONDO:0007714.
Inborn genetic diseases. Identifiers: MedGen C0950123, MeSH D030342.

Allele frequency attached by ClinVar (database versions not stated): gnomAD exomes 0.00001.
gnomAD v4.1: 14 of 1,537,358 alleles (0.00091%); highest among the groups gnomAD compares: Non-Finnish European, 0.0012%; no homozygotes.

Submissions (4):

Ambry Genetics
Classification: Uncertain significance for Inborn genetic diseases. Last evaluated: 2025-08-11. Review status: criteria provided, single submitter. Criteria: Ambry Variant Classification Scheme 2023. Collection method: clinical testing. Allele origin: germline.

GeneDx
Classification: Uncertain significance. Last evaluated: 2024-03-12. Review status: criteria provided, single submitter. Criteria: GeneDx Variant Classification Process June 2021. Collection method: clinical testing. Allele origin: germline. Affected: yes.
Comment: Not observed at significant frequency in large population cohorts (gnomAD); In silico analysis supports that this missense variant does not alter protein structure/function; Has not been previously published as pathogenic or benign to our knowledge

Labcorp Genetics (formerly Invitae), Labcorp
Classification: Uncertain significance for Developmental and epileptic encephalopathy, 42; Episodic ataxia type 2. Last evaluated: 2022-03-13. Review status: criteria provided, single submitter. Criteria: Invitae Variant Classification Sherloc (09022015). Collection method: clinical testing. Allele origin: germline.
Comment: ClinVar contains an entry for this variant (Variation ID: 383881). This variant has not been reported in the literature in individuals affected with CACNA1A-related conditions. This variant is present in population databases (no rsID available, gnomAD 0.004%). This sequence change replaces lysine, which is basic and polar, with arginine, which is basic and polar, at codon 2204 of the CACNA1A protein (p.Lys2204Arg). Advanced modeling of protein sequence and biophysical properties (such as structural, functional, and spatial information, amino acid conservation, physicochemical variation, residue mobility, and thermodynamic stability) performed at Invitae indicates that this missense variant is not expected to disrupt CACNA1A protein function. In summary, the available evidence is currently insufficient to determine the role of this variant in disease. Therefore, it has been classified as a Variant of Uncertain Significance.

Fulgent Genetics
Classification: Uncertain significance for Episodic ataxia type 2; Migraine, familial hemiplegic, 1; Spinocerebellar ataxia type 6; Developmental and epileptic encephalopathy, 42. Last evaluated: 2018-10-31. Review status: criteria provided, single submitter. Criteria: ACMG Guidelines, 2015. Collection method: clinical testing. Allele origin: unknown.

NM_001127222.2(CACNA1A):c.6608A>G (p.Lys2203Arg)

Gene: CACNA1A (calcium voltage-gated channel subunit alpha1 A; minus strand). Cytogenetic location: 19p13.13.
Variant type: single nucleotide variant.
Coding change: c.6608A>G on transcript NM_001127222.2 (MANE Select); coding-DNA position 6608, A replaced by G.
Protein change: p.Lys2203Arg; replaces lysine 2203 with arginine.
Molecular consequence: missense variant.
Genome position (GRCh38, 1-based): chr19:13,208,928, T>C on the plus strand (A>G on the coding strand, the complement: CACNA1A is on the minus strand). VCF-style: chr19-13208928-T-C. GRCh37 (hg19) VCF-style: chr19-13319742-T-C.
Other names: c.6626A>G, p.Lys2209Arg (NM_000068.4, NM_023035.3); c.6611A>G, p.Lys2204Arg (NM_001127221.2); c.6617A>G, p.Lys2206Arg (NM_001174080.2); short protein forms K2204R, K2206R, K2203R, K2209R.
Identifiers: ClinVar variation 383881 (VCV000383881.10), dbSNP rs1057521770, ClinGen allele CA16607704.
Genomic context (GRCh38, chr19:13,208,928, plus strand): 5'-GGGGGCGGGGGATGGTGGTGGTGGTGGTGGTGGTGGTGGTGCTGTCGATGCTTCCGATCC[T>C]TGGGCCGGCCCCGCTCCTGGTCCCGCTCCTTCGACGGCAGGTCCCCGGATTGGGTGGTCA-3'
Protein context (NP_001120694.1, residues 2193-2213): KERDQERGRP[Lys2203Arg]DRKHRQHHHH